The following is an entry in ClinVar:

NM_001347995.2(ENTREP1):c.1425G>A (p.Pro475=)

Gene: ENTREP1 (endosomal transmembrane epsin interactor 1; plus strand). Cytogenetic location: 9q21.12.
Variant type: single nucleotide variant.
Coding change: c.1425G>A on transcript NM_001347995.2 (MANE Select); coding-DNA position 1425, G replaced by A.
Protein change: p.Pro475=; no amino-acid change (proline 475 retained).
Molecular consequence: synonymous variant. On other transcripts: non-coding transcript variant (1).
Genome position (GRCh38, 1-based): chr9:69,388,267, G>A. VCF-style: chr9-69388267-G-A. GRCh37 (hg19) VCF-style: chr9-72003183-G-A.
Other names: c.966G>A, p.Pro322= (NM_001127608.3, NM_004816.5).
Identifiers: ClinVar variation 514557 (VCV000514557.2), dbSNP rs755452769, ClinGen allele CA5074493.

ClinVar aggregate classification (germline): Likely benign (1 of 4 stars; one submission).

Allele frequency attached by ClinVar (database versions not stated): gnomAD exomes 0.00002 and 0.00004; TOPMed 0.00002; ExAC 0.00003; gnomAD 0.00003.
gnomAD v4.1: 31 of 1,614,058 alleles (0.0019%); highest among the groups gnomAD compares: Admixed American, 0.012%; no homozygotes.

Submission:

GeneDx
Classification: Likely benign. Last evaluated: 2018-01-11. Review status: criteria provided, single submitter. Criteria: GeneDx Variant Classification (06012015). Collection method: clinical testing. Allele origin: germline. Affected: yes.
Comment: This variant is considered likely benign or benign based on one or more of the following criteria: it is a conservative change, it occurs at a poorly conserved position in the protein, it is predicted to be benign by multiple in silico algorithms, and/or has population frequency not consistent with disease.